The following is an entry in ClinVar:

ClinVar aggregate classification (germline): Uncertain significance (1 of 4 stars; one submission).

Allele frequency attached by ClinVar (database versions not stated): gnomAD exomes 0.00001; TOPMed 0.00003; gnomAD 0.00009.
gnomAD v4.1: 18 of 1,614,014 alleles (0.0011%); highest among the groups gnomAD compares: Admixed American, 0.027%; 1 homozygote.

Submission:

Labcorp Genetics (formerly Invitae), Labcorp
Classification: Uncertain significance. Last evaluated: 2024-06-17. Review status: criteria provided, single submitter. Criteria: Invitae Variant Classification Sherloc (09022015). Collection method: clinical testing. Allele origin: germline.
Comment: This sequence change replaces serine, which is neutral and polar, with glycine, which is neutral and non-polar, at codon 1555 of the VPS13D protein (p.Ser1555Gly). This variant is present in population databases (no rsID available, gnomAD 0.009%). This variant has not been reported in the literature in individuals affected with VPS13D-related conditions. ClinVar contains an entry for this variant (Variation ID: 1951428). Advanced modeling of protein sequence and biophysical properties (such as structural, functional, and spatial information, amino acid conservation, physicochemical variation, residue mobility, and thermodynamic stability) has been performed at Invitae for this missense variant, however the output from this modeling did not meet the statistical confidence thresholds required to predict the impact of this variant on VPS13D protein function. In summary, the available evidence is currently insufficient to determine the role of this variant in disease. Therefore, it has been classified as a Variant of Uncertain Significance.

NM_015378.4(VPS13D):c.4663A>G (p.Ser1555Gly)

Gene: VPS13D (vacuolar protein sorting 13 homolog D; plus strand). Cytogenetic location: 1p36.22.
Variant type: single nucleotide variant.
Coding change: c.4663A>G on transcript NM_015378.4 (MANE Select); coding-DNA position 4663, A replaced by G.
Protein change: p.Ser1555Gly; replaces serine 1555 with glycine.
Molecular consequence: missense variant.
Genome position (GRCh38, 1-based): chr1:12,282,765, A>G. VCF-style: chr1-12282765-A-G. GRCh37 (hg19) VCF-style: chr1-12342822-A-G.
Other names: c.4663A>G, p.Ser1555Gly (NM_018156.4); short protein forms S1555G.
Identifiers: ClinVar variation 1951428 (VCV001951428.5), dbSNP rs1272832366, ClinGen allele CA338481249.